The following is an entry in ClinVar:

ClinVar aggregate classification (germline): Uncertain significance (1 of 4 stars; one submission).

Conditions:
Hypercholesterolemia, autosomal dominant, 3 (FHCL3). Also called: Familial Hypercholesterolemia, Autosomal Dominant, 3; PCSK9-Related Familial Hypercholesterolemia, Autosomal Dominant; Familial hypercholesterolemia 3. Identifiers: MedGen C1863551, MONDO:0011369, OMIM 603776.

Submission:

All of Us Research Program, National Institutes of Health
Classification: Uncertain significance for Hypercholesterolemia, autosomal dominant, 3. Last evaluated: 2024-03-05. Review status: criteria provided, single submitter. Criteria: ACMG Guidelines, 2015. Collection method: clinical testing. Allele origin: germline. Inheritance: Autosomal dominant inheritance. Observed: 1 variant allele, 1 heterozygote.
Comment: This study involves interpretation of variants in research participants for the purpose of population health screening. Participant phenotype was not available at the time of variant classification. Additional details can be found in publication PMID: 35346344, PMCID: PMC8962531

NM_174936.4(PCSK9):c.208-1G>A

Gene: PCSK9 (proprotein convertase subtilisin/kexin type 9; plus strand). Cytogenetic location: 1p32.3.
Variant type: single nucleotide variant.
Coding change: c.208-1G>A on transcript NM_174936.4 (MANE Select); the canonical splice acceptor site of the intron before coding-DNA position 208, G replaced by A.
Molecular consequence: splice acceptor variant. On other transcripts: intron variant (1).
Genome position (GRCh38, 1-based): chr1:55,043,842, G>A. VCF-style: chr1-55043842-G-A. GRCh37 (hg19) VCF-style: chr1-55509515-G-A.
Other names: c.-168-1G>A (NM_001407246.1); c.331-1G>A (NM_001407240.1); c.208-1G>A (NM_001407242.1, NM_001407241.1, NM_001407244.1 and 2 more transcripts); c.208-2681G>A (NM_001407245.1).
Identifiers: ClinVar variation 3387421 (VCV003387421.1).
Genomic context (GRCh38, chr1:55,043,842, plus strand): 5'-GTACACCTAGGGTTTGCTGGGTTTCTTCCATGTCATCATGTTCCTCCTTGCATGGGGCCA[G>A]GATCCGTGGAGGTTGCCTGGCACCTACGTGGTGGTGCTGAAGGAGGAGACCCACCTCTCG-3'